The following is an entry in ClinVar:

NM_000051.4(ATM):c.3602T>C (p.Phe1201Ser)

Gene: ATM (ATM serine/threonine kinase; plus strand). Cytogenetic location: 11q22.3.
Variant type: single nucleotide variant.
Coding change: c.3602T>C on transcript NM_000051.4 (MANE Select); coding-DNA position 3602, T replaced by C.
Protein change: p.Phe1201Ser; replaces phenylalanine 1201 with serine.
Molecular consequence: missense variant.
Genome position (GRCh38, 1-based): chr11:108,282,735, T>C. VCF-style: chr11-108282735-T-C. GRCh37 (hg19) VCF-style: chr11-108153462-T-C.
Other names: c.3602T>C, p.Phe1201Ser (NM_001351834.2); short protein forms F1201S.
Identifiers: ClinVar variation 629545 (VCV000629545.22), dbSNP rs1565444496, ClinGen allele CA382522710.
Genomic context (GRCh38, chr11:108,282,735, plus strand): 5'-TTTTTCTTAACACATTGACTTTTTGGTTCGTGCAGGTTTTAGAGAAAGTTTCTGAAACTT[T>C]TGGATATAGACGTTTAGAAGACTTTATGGCATCTCATTTAGATTATCTGGTTTTGGAATG-3'
Protein context (NP_000042.3, residues 1191-1211): KKVLEKVSET[Phe1201Ser]GYRRLEDFMA

ClinVar aggregate classification (germline): Uncertain significance. Review status: criteria provided, multiple submitters, no conflicts (2 of 4 stars). 5 submissions from 5 submitters: Uncertain significance (4). 1 of the submissions does not count toward it. Last evaluated 2025-09-01.

Conditions:
Ataxia-telangiectasia syndrome (AT). Also called: ATAXIA-TELANGIECTASIA, COMPLEMENTATION GROUP A; ATAXIA-TELANGIECTASIA, FRESNO VARIANT; LOUIS-BAR SYNDROME; Ataxia telangiectasia (A-T); Cerebello-oculocutaneous telangiectasia; Immunodeficiency with ataxia telangiectasia. Identifiers: Orphanet 100, MedGen C0004135, MONDO:0008840, OMIM 208900.
Hereditary cancer-predisposing syndrome. Also called: Tumor predisposition; Neoplastic Syndromes, Hereditary; Hereditary Cancer Syndrome; Hereditary neoplastic syndrome. Identifiers: Orphanet 140162, MedGen C0027672, MeSH D009386, MONDO:0015356.

Allele frequency attached by ClinVar (database versions not stated): gnomAD exomes below 0.00001.
gnomAD v4.1: 2 of 1,613,458 alleles (0.00012%); highest among the groups gnomAD compares: Middle Eastern, 0.017%; no homozygotes.

Submissions (5):

Labcorp Genetics (formerly Invitae), Labcorp
Classification: Uncertain significance for Ataxia-telangiectasia syndrome. Last evaluated: 2025-09-01. Review status: criteria provided, single submitter. Criteria: Invitae Variant Classification Sherloc (09022015). Collection method: clinical testing. Allele origin: germline.
Comment: This sequence change replaces phenylalanine, which is neutral and non-polar, with serine, which is neutral and polar, at codon 1201 of the ATM protein (p.Phe1201Ser). This variant is not present in population databases (gnomAD no frequency). This variant has not been reported in the literature in individuals affected with ATM-related conditions. ClinVar contains an entry for this variant (Variation ID: 629545). Invitae Evidence Modeling of protein sequence and biophysical properties (such as structural, functional, and spatial information, amino acid conservation, physicochemical variation, residue mobility, and thermodynamic stability) indicates that this missense variant is not expected to disrupt ATM protein function with a negative predictive value of 95%. In summary, the available evidence is currently insufficient to determine the role of this variant in disease. Therefore, it has been classified as a Variant of Uncertain Significance.

GeneDx
Classification: Uncertain significance. Last evaluated: 2024-11-03. Review status: criteria provided, single submitter. Criteria: GeneDx Variant Classification Process June 2021. Collection method: clinical testing. Allele origin: germline. Affected: yes.
Comment: Not observed at significant frequency in large population cohorts (gnomAD); In silico analysis indicates that this missense variant does not alter protein structure/function; Has not been previously published as pathogenic or benign to our knowledge; This variant is associated with the following publications: (PMID: 19781682)

Color Diagnostics, LLC DBA Color Health
Classification: Uncertain significance for Hereditary cancer-predisposing syndrome. Last evaluated: 2023-12-04. Review status: criteria provided, single submitter. Criteria: ACMG Guidelines, 2015. Collection method: clinical testing. Allele origin: germline.
Comment: This missense variant replaces phenylalanine with serine at codon 1201 of the ATM protein. Computational prediction suggests that this variant may not impact protein structure and function (internally defined REVEL score threshold <= 0.5, PMID: 27666373). To our knowledge, functional studies have not been reported for this variant. This variant has not been reported in individuals affected with ATM-related disorders in the literature. This variant has not been identified in the general population by the Genome Aggregation Database (gnomAD). The available evidence is insufficient to determine the role of this variant in disease conclusively. Therefore, this variant is classified as a Variant of Uncertain Significance.

Ambry Genetics
Classification: Uncertain significance for Hereditary cancer-predisposing syndrome. Last evaluated: 2023-02-15. Review status: criteria provided, single submitter. Criteria: Ambry Variant Classification Scheme 2023. Collection method: clinical testing. Allele origin: germline.
Comment: The p.F1201S variant (also known as c.3602T>C), located in coding exon 24 of the ATM gene, results from a T to C substitution at nucleotide position 3602. The phenylalanine at codon 1201 is replaced by serine, an amino acid with highly dissimilar properties. This amino acid position is well conserved in available vertebrate species. In addition, the in silico prediction for this alteration is inconclusive. Since supporting evidence is limited at this time, the clinical significance of this alteration remains unclear.

Natera, Inc.
Classification: Uncertain significance for Ataxia-telangiectasia. Last evaluated: 2020-12-01. Review status: no assertion criteria provided. Collection method: clinical testing. Allele origin: germline. Not counted in ClinVar's aggregate classification.